The following is an entry in ClinVar:

ClinVar aggregate classification (germline): Uncertain significance (1 of 4 stars; one submission).

Conditions:
Cardiovascular phenotype. Identifiers: MedGen CN230736.

gnomAD v4.1: 1 of 1,613,964 alleles (0.000062%); highest among the groups gnomAD compares: South Asian, 0.0011%; no homozygotes.

Submission:

Ambry Genetics
Classification: Uncertain significance for Cardiovascular phenotype. Last evaluated: 2024-10-19. Review status: criteria provided, single submitter. Criteria: Ambry Variant Classification Scheme 2023. Collection method: clinical testing. Allele origin: germline.
Comment: The p.T188I variant (also known as c.563C>T), located in coding exon 7 of the TXNRD2 gene, results from a C to T substitution at nucleotide position 563. The threonine at codon 188 is replaced by isoleucine, an amino acid with similar properties. This amino acid position is conserved. In addition, this alteration is predicted to be deleterious by in silico analysis. Based on the available evidence, the clinical significance of this variant remains unclear.

NM_006440.5(TXNRD2):c.563C>T (p.Thr188Ile)

Gene: TXNRD2 (thioredoxin reductase 2; minus strand). Cytogenetic location: 22q11.21.
Variant type: single nucleotide variant.
Coding change: c.563C>T on transcript NM_006440.5 (MANE Select); coding-DNA position 563, C replaced by T.
Protein change: p.Thr188Ile; replaces threonine 188 with isoleucine.
Molecular consequence: missense variant. On other transcripts: non-coding transcript variant (1).
Genome position (GRCh38, 1-based): chr22:19,915,242, G>A on the plus strand (C>T on the coding strand, the complement: TXNRD2 is on the minus strand). VCF-style: chr22-19915242-G-A. GRCh37 (hg19) VCF-style: chr22-19902765-G-A.
Other names: c.563C>T, p.Thr188Ile (NM_001282512.3); c.560C>T, p.Thr187Ile (NM_001352300.2); c.473C>T, p.Thr158Ile (NM_001352301.2); c.275C>T, p.Thr92Ile (NM_001352302.2); c.467C>T, p.Thr156Ile (NM_001352303.2); short protein forms T92I, T156I, T158I, T187I, T188I.
Identifiers: ClinVar variation 3464755 (VCV003464755.1).